The following is an entry in ClinVar:

ClinVar aggregate classification (germline): Uncertain significance (1 of 4 stars; one submission).

Conditions:
Autosomal recessive severe congenital neutropenia due to CSF3R deficiency. Also called: Neutropenia, severe congenital, 7, autosomal recessive. Identifiers: Orphanet 420702, MedGen C4310764, MONDO:0014865, OMIM 617014.

Submission:

Labcorp Genetics (formerly Invitae), Labcorp
Classification: Uncertain significance for Autosomal recessive severe congenital neutropenia due to CSF3R deficiency. Last evaluated: 2024-02-07. Review status: criteria provided, single submitter. Criteria: Invitae Variant Classification Sherloc (09022015). Collection method: clinical testing. Allele origin: germline.
Comment: This sequence change replaces leucine, which is neutral and non-polar, with proline, which is neutral and non-polar, at codon 14 of the CSF3R protein (p.Leu14Pro). This variant is not present in population databases (gnomAD no frequency). This variant has not been reported in the literature in individuals affected with CSF3R-related conditions. An algorithm developed to predict the effect of missense changes on protein structure and function (PolyPhen-2) suggests that this variant is likely to be disruptive. In summary, the available evidence is currently insufficient to determine the role of this variant in disease. Therefore, it has been classified as a Variant of Uncertain Significance.

NM_000760.4(CSF3R):c.41T>C (p.Leu14Pro)

Gene: CSF3R (colony stimulating factor 3 receptor; minus strand). Cytogenetic location: 1p34.3.
Variant type: single nucleotide variant.
Coding change: c.41T>C on transcript NM_000760.4 (MANE Select); coding-DNA position 41, T replaced by C.
Protein change: p.Leu14Pro; replaces leucine 14 with proline.
Molecular consequence: missense variant.
Genome position (GRCh38, 1-based): chr1:36,479,456, A>G on the plus strand (T>C on the coding strand, the complement: CSF3R is on the minus strand). VCF-style: chr1-36479456-A-G. GRCh37 (hg19) VCF-style: chr1-36945057-A-G.
Other names: c.41T>C, p.Leu14Pro (NM_156039.3, NM_172313.3); short protein forms L14P.
Identifiers: ClinVar variation 3632797 (VCV003632797.2).
Genomic context (GRCh38, chr1:36,479,456, plus strand): 5'-CCCTCCCCACTGCACCCTCATCCTTGGCCATACTCACTTCCGGGGAGCAGCAGGATGATC[A>G]GGGCAGCCCAAGTCAGGCTGCAGTTTCCCAGCCTTGCCATAGCACCAACTTGATGTTCAC-3'
Protein context (NP_000751.1, residues 4-24): LGNCSLTWAA[Leu14Pro]IILLLPGSLE